The following is an entry in ClinVar:

ClinVar aggregate classification (germline): Uncertain significance (1 of 4 stars; one submission).

Submission:

Labcorp Genetics (formerly Invitae), Labcorp
Classification: Uncertain significance. Last evaluated: 2022-09-23. Review status: criteria provided, single submitter. Criteria: Invitae Variant Classification Sherloc (09022015). Collection method: clinical testing. Allele origin: germline.
Comment: A gross deletion of the genomic region encompassing the full coding sequence of the MBTPS2 gene has been identified. The current clinical and genetic evidence is not sufficient to establish whether loss-of-function variants in MBTPS2 cause disease. The boundaries of this event are unknown as they extend beyond the assayed region for this gene and therefore may encompass additional genes. This variant has not been reported in the literature in individuals affected with MBTPS2-related conditions. In summary, the available evidence is currently insufficient to determine the role of this variant in disease. Therefore, it has been classified as a Variant of Uncertain Significance.

NC_000023.10:g.(?_21857853)_(21900773_?)del

Genes: MBTPS2 (membrane bound transcription factor peptidase, site 2; plus strand), YY2 (YY2 transcription factor; plus strand). Cytogenetic location: Xp22.12-22.11.
Variant type: Deletion.
Identifiers: ClinVar variation 2426217 (VCV002426217.3).